The following is an entry in ClinVar:

NM_014339.7(IL17RA):c.932-10C>T

Gene: IL17RA (interleukin 17 receptor A; plus strand). Cytogenetic location: 22q11.1.
Variant type: single nucleotide variant.
Coding change: c.932-10C>T on transcript NM_014339.7 (MANE Select); 10 bases into the intron before coding-DNA position 932, C replaced by T.
Molecular consequence: intron variant.
Genome position (GRCh38, 1-based): chr22:17,105,581, C>T. VCF-style: chr22-17105581-C-T. GRCh37 (hg19) VCF-style: chr22-17586471-C-T.
Other names: p.?; c.932-10C>T (NM_001289905.2).
Identifiers: ClinVar variation 340585 (VCV000340585.24), dbSNP rs2241046, ClinGen allele CA10086565.

ClinVar aggregate classification (germline): Benign. Review status: criteria provided, multiple submitters, no conflicts (2 of 4 stars). 8 submissions from 8 submitters: Benign (7). 1 of the submissions does not count toward it. Last evaluated 2026-02-04.

Conditions:
Immunodeficiency 51 (IMD51). Also called: CANDIDIASIS, FAMILIAL, 5. Identifiers: Orphanet 1334, MedGen C4310803, MONDO:0013500, OMIM 613953.

Allele frequency attached by ClinVar (database versions not stated): gnomAD exomes 0.79255 and 0.81243; ExAC 0.81149; ESP Exome Variant Server 0.81455; gnomAD 0.81871 and 0.81895; TOPMed 0.83151; 1000 Genomes Project 0.83227; 1000 Genomes Project 30x 0.83354.
gnomAD v4.1: 1,281,164 of 1,610,648 alleles (80%); highest among the groups gnomAD compares: African/African-American, 88%; 510,984 homozygotes.

Submissions (8):

Labcorp Genetics (formerly Invitae), Labcorp
Classification: Benign for Immunodeficiency 51. Last evaluated: 2026-02-04. Review status: criteria provided, single submitter. Criteria: Invitae Variant Classification Sherloc (09022015). Collection method: clinical testing. Allele origin: germline.

Unidad de Genómica Garrahan, Hospital de Pediatría Garrahan
Classification: Benign. Last evaluated: 2024-01-24. Review status: criteria provided, single submitter. Criteria: ACMG Guidelines, 2015. Collection method: clinical testing. Allele origin: germline. Affected: no. Observed: 93 variant alleles.
Comment: This variant is classified as Benign based on local population frequency. This variant was detected in 98% of patients studied by a panel of primary immunodeficiencies. Number of patients: 93. Only high quality variants are reported.

Mayo Clinic Laboratories, Mayo Clinic
Classification: Benign. Last evaluated: 2022-09-06. Review status: criteria provided, single submitter. Criteria: ACMG Guidelines, 2015. Collection method: clinical testing. Allele origin: germline. Observed: 101 variant alleles.

Genome-Nilou Lab
Classification: Benign for Immunodeficiency 51. Last evaluated: 2021-08-19. Review status: criteria provided, single submitter. Criteria: ACMG Guidelines, 2015. Collection method: clinical testing. Allele origin: germline. Affected: no.

Laboratory for Molecular Medicine, Mass General Brigham Personalized Medicine
Classification: Benign. Last evaluated: 2016-03-29. Review status: criteria provided, single submitter. Criteria: LMM Criteria. Collection method: clinical testing. Allele origin: germline.
Comment: Variant identified in a genome or exome case(s) and assessed due to predicted null impact of the variant or pathogenic assertions in the literature or databases. Disclaimer: This variant has not undergone full assessment. The following are preliminary notes: Frequency

Genome Diagnostics Laboratory, University Medical Center Utrecht
Classification: Benign for Immunodeficiency 51. Last evaluated: 2014-10-09. Review status: criteria provided, single submitter. Criteria: ACGS Guidelines, 2013. Collection method: clinical testing. Allele origin: germline. Affected: yes. Study: VKGL Data-share Consensus.

Breakthrough Genomics
Classification: Benign. Review status: criteria provided, single submitter. Criteria: ACMG Guidelines, 2015. Collection method: not provided. Allele origin: germline. Inheritance: Autosomal recessive inheritance. Affected: yes.

Diagnostic Laboratory, Department of Genetics, University Medical Center Groningen
Classification: Benign for Immunodeficiency 51. Review status: no assertion criteria provided. Collection method: clinical testing. Allele origin: germline. Affected: yes. Study: VKGL Data-share Consensus. Not counted in ClinVar's aggregate classification.